The following is an entry in ClinVar:

ClinVar aggregate classification (germline): Pathogenic (1 of 4 stars; one submission).

Conditions:
Marfan syndrome (MFS). Also called: FBN1-Related Marfan Syndrome; MARFAN SYNDROME, TYPE I; Marfan syndrome type 1; Marfan's syndrome; Marfan syndrome, classic. Identifiers: Orphanet 284963, Orphanet 558, MedGen C0024796, MONDO:0007947, OMIM 154700.
Familial thoracic aortic aneurysm and aortic dissection (TAAD). Also called: Thoracic aortic aneurysms and dissections. Identifiers: Orphanet 91387, MedGen C4707243, MONDO:0019625.

Submission:

Labcorp Genetics (formerly Invitae), Labcorp
Classification: Pathogenic for Marfan syndrome; Familial thoracic aortic aneurysm and aortic dissection. Last evaluated: 2025-09-15. Review status: criteria provided, single submitter. Criteria: Invitae Variant Classification Sherloc (09022015). Collection method: clinical testing. Allele origin: germline.
Comment: This sequence change creates a premature translational stop signal (p.Glu2572Glyfs*2) in the FBN1 gene. It is expected to result in an absent or disrupted protein product. Loss-of-function variants in FBN1 are known to be pathogenic (PMID: 17657824, 19293843). This variant is not present in population databases (gnomAD no frequency). This variant has not been reported in the literature in individuals affected with FBN1-related conditions. For these reasons, this variant has been classified as Pathogenic.

Literature cited by the submitters: PubMed 17657824; PubMed 19293843.

NM_000138.5(FBN1):c.7715_7716del (p.Glu2572fs)

Gene: FBN1 (fibrillin 1; minus strand). Cytogenetic location: 15q21.1.
Variant type: Deletion.
Coding change: c.7715_7716del on transcript NM_000138.5 (MANE Select); coding-DNA positions 7715 to 7716, 2 bases deleted (AG; older notation c.7715_7716delAG).
Protein change: p.Glu2572fs; shifts the reading frame from glutamic acid 2572.
Molecular consequence: frameshift variant.
Genome position (GRCh38, 1-based): chr15:48,420,790-48,420,791, CT deleted on the plus strand (AG on the coding strand, the reverse complement: FBN1 is on the minus strand); deleting any 2 consecutive bases within chr15:48,420,790-48,420,792 gives the same sequence; the c. name uses the placement nearest the transcript's 3' end. VCF-style (leftmost placement, unchanged base first): chr15-48420789-CCT-C. GRCh37 (hg19) VCF-style: chr15-48712986-CCT-C.
Other names: c.7715_7716del, p.Glu2572fs (NM_001406716.1); short protein forms E2572fs.
Identifiers: ClinVar variation 4786142 (VCV004786142.1).